The following is an entry in ClinVar:

NM_144687.4(NLRP12):c.2406G>C (p.Gln802His)

Gene: NLRP12 (NLR family pyrin domain containing 12; minus strand). Cytogenetic location: 19q13.42.
Variant type: single nucleotide variant.
Coding change: c.2406G>C on transcript NM_144687.4 (MANE Select); coding-DNA position 2406, G replaced by C.
Protein change: p.Gln802His; replaces glutamine 802 with histidine.
Molecular consequence: missense variant.
Genome position (GRCh38, 1-based): chr19:53,805,288, C>G on the plus strand (G>C on the coding strand, the complement: NLRP12 is on the minus strand). VCF-style: chr19-53805288-C-G. GRCh37 (hg19) VCF-style: chr19-54308542-C-G.
Other names: c.2409G>C, p.Gln803His (NM_001277126.2); c.2406G>C, p.Gln802His (NM_001277129.1); short protein forms Q803H, Q802H.
Identifiers: ClinVar variation 1405171 (VCV001405171.8), dbSNP rs2122608123, ClinGen allele CA407410134.
Genomic context (GRCh38, chr19:53,805,288, plus strand): 5'-TGCCCCAGGAGACAATGAGCTTAAGAAGTTGCTCCCGGGGATAGAGACTCACTGAATCAT[C>G]TGCAGCCTGCACTGGGGATGCCGCAGGCCCTCGCAAAGCAGCATCATGCCTGGGAATCCA-3'
Protein context (NP_653288.1, residues 792-812): EGLRHPQCRL[Gln802His]MIQLRKCQLE

ClinVar aggregate classification (germline): Uncertain significance (1 of 4 stars; one submission).

Conditions:
Familial cold autoinflammatory syndrome 2 (FCAS2). Identifiers: Orphanet 247868, MedGen C2673198, MONDO:0012724, OMIM 611762.

Submission:

Labcorp Genetics (formerly Invitae), Labcorp
Classification: Uncertain significance for Familial cold autoinflammatory syndrome 2. Last evaluated: 2022-02-24. Review status: criteria provided, single submitter. Criteria: Invitae Variant Classification Sherloc (09022015). Collection method: clinical testing. Allele origin: germline.
Comment: In summary, the available evidence is currently insufficient to determine the role of this variant in disease. Therefore, it has been classified as a Variant of Uncertain Significance. Algorithms developed to predict the effect of missense changes on protein structure and function are either unavailable or do not agree on the potential impact of this missense change (SIFT: "Deleterious"; PolyPhen-2: "Probably Damaging"; Align-GVGD: "Class C0"). This variant has not been reported in the literature in individuals affected with NLRP12-related conditions. This variant is not present in population databases (gnomAD no frequency). This sequence change replaces glutamine, which is neutral and polar, with histidine, which is basic and polar, at codon 802 of the NLRP12 protein (p.Gln802His).